The following is an entry in ClinVar:

NM_198334.3(GANAB):c.220C>T (p.Leu74Phe)

Gene: GANAB (glucosidase II alpha subunit; minus strand). Cytogenetic location: 11q12.3.
Variant type: single nucleotide variant.
Coding change: c.220C>T on transcript NM_198334.3 (MANE Select); coding-DNA position 220, C replaced by T.
Protein change: p.Leu74Phe; replaces leucine 74 with phenylalanine.
Molecular consequence: missense variant. On other transcripts: 5 prime UTR variant (4), intron variant (3).
Genome position (GRCh38, 1-based): chr11:62,639,391, G>A on the plus strand (C>T on the coding strand, the complement: GANAB is on the minus strand). VCF-style: chr11-62639391-G-A. GRCh37 (hg19) VCF-style: chr11-62406863-G-A.
Other names: p.Leu74Phe; c.-72C>T (NM_001329222.2, NM_001329223.2); c.-557C>T (NM_001329224.2, NM_001329225.2); c.220C>T, p.Leu74Phe (NM_198335.4); c.39-4391C>T (NM_001278193.2, NM_001278192.2); c.-40+236C>T (NM_001278194.2); short protein forms L74F.
Identifiers: ClinVar variation 723593 (VCV000723593.12), dbSNP rs143393884, ClinGen allele CA6051180.

ClinVar aggregate classification (germline): Conflicting classifications of pathogenicity. Review status: criteria provided, conflicting classifications (1 of 4 stars). 3 submissions from 3 submitters: Uncertain significance (1); Likely benign (1). 1 of the submissions does not count toward it. Last evaluated 2025-11-01.

Conditions:
GANAB-related disorder. Also called: GANAB-related condition.

Allele frequency attached by ClinVar (database versions not stated): gnomAD exomes 0.00027; ExAC 0.00035; 1000 Genomes Project 30x 0.00094; 1000 Genomes Project 0.00100; ESP Exome Variant Server 0.00108; gnomAD 0.00142; TOPMed 0.00145.
gnomAD v4.1: 339 of 1,612,696 alleles (0.021%); highest among the groups gnomAD compares: African/African-American, 0.39%; 2 homozygotes.

Submissions (3):

Labcorp Genetics (formerly Invitae), Labcorp
Classification: Likely benign. Last evaluated: 2025-11-01. Review status: criteria provided, single submitter. Criteria: Invitae Variant Classification Sherloc (09022015). Collection method: clinical testing. Allele origin: germline.

Mayo Clinic Laboratories, Mayo Clinic
Classification: Uncertain significance. Last evaluated: 2025-03-31. Review status: criteria provided, single submitter. Criteria: ACMG Guidelines, 2015. Collection method: clinical testing. Allele origin: germline. Observed: 1 variant allele.
Comment: BS1

PreventionGenetics, part of Exact Sciences
Classification: Likely benign for GANAB-related condition. Last evaluated: 2019-09-18. Review status: no assertion criteria provided. Collection method: clinical testing. Allele origin: germline. Not counted in ClinVar's aggregate classification.
Comment: This variant is classified as likely benign based on ACMG/AMP sequence variant interpretation guidelines (Richards et al. 2015 PMID: 25741868, with internal and published modifications).